The following is an entry in ClinVar:

NM_005235.3(ERBB4):c.3186C>A (p.Asn1062Lys)

Gene: ERBB4 (erb-b2 receptor tyrosine kinase 4; minus strand). Cytogenetic location: 2q34.
Variant type: single nucleotide variant.
Coding change: c.3186C>A on transcript NM_005235.3 (MANE Select); coding-DNA position 3186, C replaced by A.
Protein change: p.Asn1062Lys; replaces asparagine 1062 with lysine.
Molecular consequence: missense variant.
Genome position (GRCh38, 1-based): chr2:211,387,148, G>T on the plus strand (C>A on the coding strand, the complement: ERBB4 is on the minus strand). VCF-style: chr2-211387148-G-T. GRCh37 (hg19) VCF-style: chr2-212251873-G-T.
Other names: c.3138C>A, p.Asn1046Lys (NM_001042599.2); short protein forms N1046K, N1062K.
Identifiers: ClinVar variation 2159655 (VCV002159655.4), dbSNP rs200172669, ClinGen allele CA2087492.

ClinVar aggregate classification (germline): Uncertain significance (1 of 4 stars; one submission).

Allele frequency attached by ClinVar (database versions not stated): ExAC 0.00002; TOPMed 0.00005; gnomAD 0.00006; 1000 Genomes Project 30x 0.00031; 1000 Genomes Project 0.00040.
gnomAD v4.1: 17 of 1,610,678 alleles (0.0011%); highest among the groups gnomAD compares: African/African-American, 0.02%; no homozygotes.

Submission:

Labcorp Genetics (formerly Invitae), Labcorp
Classification: Uncertain significance. Last evaluated: 2024-01-22. Review status: criteria provided, single submitter. Criteria: Invitae Variant Classification Sherloc (09022015). Collection method: clinical testing. Allele origin: germline.
Comment: This sequence change replaces asparagine, which is neutral and polar, with lysine, which is basic and polar, at codon 1062 of the ERBB4 protein (p.Asn1062Lys). This variant is present in population databases (rs200172669, gnomAD 0.03%). This variant has not been reported in the literature in individuals affected with ERBB4-related conditions. ClinVar contains an entry for this variant (Variation ID: 2159655). An algorithm developed to predict the effect of missense changes on protein structure and function (PolyPhen-2) suggests that this variant is likely to be disruptive. In summary, the available evidence is currently insufficient to determine the role of this variant in disease. Therefore, it has been classified as a Variant of Uncertain Significance.